The following is an entry in ClinVar:

ClinVar aggregate classification (germline): Uncertain significance. Review status: reviewed by expert panel (3 of 4 stars). 2 submissions from 2 submitters: Uncertain significance (1). 1 of the submissions does not count toward it. Last evaluated 2022-03-31.

Conditions:
Hereditary thrombocytopenia and hematologic cancer predisposition syndrome. Identifiers: Orphanet 71290, MedGen CN281654, MONDO:0011071.
Hereditary thrombocytopenia and hematological cancer predisposition syndrome associated with RUNX1. Also called: RUNX1 Familial Platelet Disorder with Associated Myeloid Malignancies; Familial Platelet Disorder with Propensity to Acute Myelogenous Leukemia; Familial thrombocytopenia with propensity to acute myelogenous leukemia; PLATELET DISORDER, ASPIRIN-LIKE. Identifiers: Orphanet 71290, MedGen C1832388, MeSH C563324, MONDO:0100083, OMIM 601399.

Submissions (2):

ClinGen Myeloid Malignancy Variant Curation Expert Panel
Classification: Uncertain significance for Hereditary thrombocytopenia and hematologic cancer predisposition syndrome. Last evaluated: 2022-03-31. Review status: reviewed by expert panel. Criteria: ClinGen MyeloMalig ACMG Specifications v2. Collection method: curation. Allele origin: germline. Inheritance: Autosomal dominant inheritance.
Comment: NM_001754.5(RUNX1):c.1264G>T (p.Glu422Ter) is a nonsense variant that is not predicted to undergo NMD (PVS1_strong, SNV Tree). This variant is completely absent from all population databases with at least 20x coverage for RUNX1 (PM2_supporting). In summary, the clinical significance of this variant is uncertain. ACMG/AMP criteria applied, as specified by the Myeloid Malignancy Variant Curation Expert Panel for RUNX1: PVS1_strong, PM2_supporting.

Labcorp Genetics (formerly Invitae), Labcorp
Classification: Uncertain significance for Hereditary thrombocytopenia and hematological cancer predisposition syndrome associated with RUNX1. Last evaluated: 2020-11-25. Review status: criteria provided, single submitter. Criteria: Invitae Variant Classification Sherloc (09022015). Collection method: clinical testing. Allele origin: germline. Not counted in ClinVar's aggregate classification.
Comment: In summary, the available evidence is currently insufficient to determine the role of this variant in disease. Therefore, it has been classified as a Variant of Uncertain Significance. Experimental studies and prediction algorithms are not available or were not evaluated, and the functional significance of this variant is currently unknown. This variant has not been reported in the literature in individuals with RUNX1-related conditions. The frequency data for this variant in the population databases is considered unreliable, as metrics indicate insufficient coverage at this position in the ExAC database. This sequence change creates a premature translational stop signal (p.Glu422*) in the RUNX1 gene. While this is not anticipated to result in nonsense mediated decay, it is expected to disrupt the last 59 amino acid(s) of the RUNX1 protein.

NM_001754.5(RUNX1):c.1264G>T (p.Glu422Ter)

Gene: RUNX1 (RUNX family transcription factor 1; minus strand). Cytogenetic location: 21q22.12.
Variant type: single nucleotide variant.
Coding change: c.1264G>T on transcript NM_001754.5 (MANE Select); coding-DNA position 1264, G replaced by T.
Protein change: p.Glu422Ter; replaces glutamic acid 422 with a stop codon.
Molecular consequence: nonsense.
Genome position (GRCh38, 1-based): chr21:34,792,314, C>A on the plus strand (G>T on the coding strand, the complement: RUNX1 is on the minus strand). VCF-style: chr21-34792314-C-A. GRCh37 (hg19) VCF-style: chr21-36164611-C-A.
Other names: NM_001754.5(RUNX1):c.1264G>T; p.Glu422Ter; c.1183G>T, p.Glu395Ter (NM_001001890.3); short protein forms E422*, E395*.
Identifiers: ClinVar variation 1488717 (VCV001488717.9), dbSNP rs2056451816, ClinGen allele CA410147594.